The following is an entry in ClinVar:

NM_014795.4(ZEB2):c.1233C>T (p.Gly411=)

Gene: ZEB2 (zinc finger E-box binding homeobox 2; minus strand). Cytogenetic location: 2q22.3.
Variant type: single nucleotide variant.
Coding change: c.1233C>T on transcript NM_014795.4 (MANE Select); coding-DNA position 1233, C replaced by T.
Protein change: p.Gly411=; no amino-acid change (glycine 411 retained).
Molecular consequence: synonymous variant.
Genome position (GRCh38, 1-based): chr2:144,399,954, G>A on the plus strand (C>T on the coding strand, the complement: ZEB2 is on the minus strand). VCF-style: chr2-144399954-G-A. GRCh37 (hg19) VCF-style: chr2-145157521-G-A.
Other names: c.1161C>T, p.Gly387= (NM_001171653.2).
Identifiers: ClinVar variation 385088 (VCV000385088.1), dbSNP rs1057522114, ClinGen allele CA16603748.

ClinVar aggregate classification (germline): Likely benign (1 of 4 stars; one submission).

Submission:

GeneDx
Classification: Likely benign. Last evaluated: 2016-04-06. Review status: criteria provided, single submitter. Criteria: GeneDx Variant Classification (06012015). Collection method: clinical testing. Allele origin: germline. Affected: yes.
Comment: This variant is considered likely benign or benign based on one or more of the following criteria: it is a conservative change, it occurs at a poorly conserved position in the protein, it is predicted to be benign by multiple in silico algorithms, and/or has population frequency not consistent with disease.